The following is an entry in ClinVar:

ClinVar aggregate classification (germline): Uncertain significance (1 of 4 stars; one submission).

Conditions:
Hereditary cancer-predisposing syndrome. Also called: Neoplastic Syndromes, Hereditary; Tumor predisposition; Hereditary Cancer Syndrome; Hereditary neoplastic syndrome. Identifiers: Orphanet 140162, MedGen C0027672, MeSH D009386, MONDO:0015356.

Submission:

Ambry Genetics
Classification: Uncertain significance for Hereditary cancer-predisposing syndrome. Last evaluated: 2022-10-20. Review status: criteria provided, single submitter. Criteria: Ambry Variant Classification Scheme 2023. Collection method: clinical testing. Allele origin: germline.
Comment: The p.D215N variant (also known as c.643G>A), located in coding exon 4 of the PDGFRA gene, results from a G to A substitution at nucleotide position 643. The aspartic acid at codon 215 is replaced by asparagine, an amino acid with highly similar properties. This amino acid position is conserved. In addition, this alteration is predicted to be tolerated by in silico analysis. Since supporting evidence is limited at this time, the clinical significance of this alteration remains unclear.

NM_006206.6(PDGFRA):c.643G>A (p.Asp215Asn)

Gene: PDGFRA (platelet derived growth factor receptor alpha; plus strand). Cytogenetic location: 4q12.
Variant type: single nucleotide variant.
Coding change: c.643G>A on transcript NM_006206.6 (MANE Select); coding-DNA position 643, G replaced by A.
Protein change: p.Asp215Asn; replaces aspartic acid 215 with asparagine.
Molecular consequence: missense variant.
Genome position (GRCh38, 1-based): chr4:54,264,933, G>A. VCF-style: chr4-54264933-G-A. GRCh37 (hg19) VCF-style: chr4-55131100-G-A.
Other names: c.643G>A, p.Asp215Asn (NM_001347827.2, NM_001347829.2); c.718G>A, p.Asp240Asn (NM_001347828.2); c.682G>A, p.Asp228Asn (NM_001347830.2); short protein forms D228N, D240N, D215N.
Identifiers: ClinVar variation 1753542 (VCV001753542.2), dbSNP rs749903216, ClinGen allele CA356890709.